The following is an entry in ClinVar:

NM_024652.6(LRRK1):c.3438C>T (p.Pro1146=)

Genes: LRRK1 (leucine rich repeat kinase 1; plus strand), LRRK1-AS1 (LRRK1 antisense RNA 1; minus strand). Cytogenetic location: 15q26.3.
Variant type: single nucleotide variant.
Coding change: c.3438C>T on transcript NM_024652.6 (MANE Select); coding-DNA position 3438, C replaced by T.
Protein change: p.Pro1146=; no amino-acid change (proline 1146 retained).
Molecular consequence: synonymous variant.
Genome position (GRCh38, 1-based): chr15:101,049,782, C>T. VCF-style: chr15-101049782-C-T. GRCh37 (hg19) VCF-style: chr15-101589987-C-T.
Identifiers: ClinVar variation 2183179 (VCV002183179.2), dbSNP rs779432963, ClinGen allele CA7761513.

ClinVar aggregate classification (germline): Uncertain significance (1 of 4 stars; one submission).

Allele frequency attached by ClinVar (database versions not stated): gnomAD 0.00004; TOPMed 0.00004.
gnomAD v4.1: 33 of 1,611,892 alleles (0.002%); highest among the groups gnomAD compares: East Asian, 0.016%; no homozygotes.

Submission:

Labcorp Genetics (formerly Invitae), Labcorp
Classification: Uncertain significance. Last evaluated: 2024-01-22. Review status: criteria provided, single submitter. Criteria: Invitae Variant Classification Sherloc (09022015). Collection method: clinical testing. Allele origin: germline.
Comment: This sequence change affects codon 1146 of the LRRK1 mRNA. It is a 'silent' change, meaning that it does not change the encoded amino acid sequence of the LRRK1 protein. It affects a nucleotide within the consensus splice site. This variant is present in population databases (rs779432963, gnomAD 0.01%). This variant has not been reported in the literature in individuals affected with LRRK1-related conditions. ClinVar contains an entry for this variant (Variation ID: 2183179). Algorithms developed to predict the effect of sequence changes on RNA splicing suggest that this variant is not likely to affect RNA splicing. In summary, the available evidence is currently insufficient to determine the role of this variant in disease. Therefore, it has been classified as a Variant of Uncertain Significance.